The following is an entry in ClinVar:

ClinVar aggregate classification (germline): Pathogenic (1 of 4 stars; one submission).

Allele frequency attached by ClinVar (database versions not stated): TOPMed below 0.00001; gnomAD 0.00001; gnomAD exomes 0.00001; ExAC 0.00002.
gnomAD v4.1: 21 of 1,613,630 alleles (0.0013%); highest among the groups gnomAD compares: South Asian, 0.0022%; no homozygotes.

Submission:

Labcorp Genetics (formerly Invitae), Labcorp
Classification: Pathogenic. Last evaluated: 2024-02-01. Review status: criteria provided, single submitter. Criteria: Invitae Variant Classification Sherloc (09022015). Collection method: clinical testing. Allele origin: germline.
Comment: This sequence change affects an acceptor splice site in intron 12 of the PCNT gene. It is expected to disrupt RNA splicing. Variants that disrupt the donor or acceptor splice site typically lead to a loss of protein function (PMID: 16199547), and loss-of-function variants in PCNT are known to be pathogenic (PMID: 18174396, 22821869). This variant is present in population databases (rs774995221, gnomAD 0.004%). Disruption of this splice site has been observed in individual(s) with clinical features of primary microcephaly (MCPH) and Seckel Syndrome (SCKS) (PMID: 18174396). In at least one individual the data is consistent with being in trans (on the opposite chromosome) from a pathogenic variant. Algorithms developed to predict the effect of sequence changes on RNA splicing suggest that this variant may disrupt the consensus splice site. For these reasons, this variant has been classified as Pathogenic.

Literature cited by the submitters: PubMed 16199547; PubMed 18174396; PubMed 22821869.

NM_006031.6(PCNT):c.1937-1G>C

Gene: PCNT (pericentrin; plus strand). Cytogenetic location: 21q22.3.
Variant type: single nucleotide variant.
Coding change: c.1937-1G>C on transcript NM_006031.6 (MANE Select); the canonical splice acceptor site of the intron before coding-DNA position 1937, G replaced by C.
Molecular consequence: splice acceptor variant.
Genome position (GRCh38, 1-based): chr21:46,356,973, G>C. VCF-style: chr21-46356973-G-C. GRCh37 (hg19) VCF-style: chr21-47776888-G-C.
Other names: c.1583-1G>C (NM_001315529.2).
Identifiers: ClinVar variation 2725670 (VCV002725670.3), dbSNP rs774995221, ClinGen allele CA10078836.